The following is an entry in ClinVar:

NM_001393504.1(MAST3):c.3583C>T (p.Arg1195Cys)

Gene: MAST3 (microtubule associated serine/threonine kinase 3; plus strand). Cytogenetic location: 19p13.11.
Variant type: single nucleotide variant.
Coding change: c.3583C>T on transcript NM_001393504.1 (MANE Select); coding-DNA position 3583, C replaced by T.
Protein change: p.Arg1195Cys; replaces arginine 1195 with cysteine.
Molecular consequence: missense variant.
Genome position (GRCh38, 1-based): chr19:18,149,265, C>T. VCF-style: chr19-18149265-C-T. GRCh37 (hg19) VCF-style: chr19-18260075-C-T.
Other names: c.3607C>T, p.Arg1203Cys (NM_001393501.1); c.3586C>T, p.Arg1196Cys (NM_001393502.1); c.3583C>T, p.Arg1195Cys (NM_001393503.1); c.3553C>T, p.Arg1185Cys (NM_001393505.1); c.3535C>T, p.Arg1179Cys (NM_001393506.1, NM_001393507.1); c.3517C>T, p.Arg1173Cys (NM_001393508.1); c.3514C>T, p.Arg1172Cys (NM_001393509.1, NM_001393510.1); c.3511C>T, p.Arg1171Cys (NM_001393511.1, NM_001393512.1); and 9 more; short protein forms R1157C, R1163C, R1173C, R1185C, R1148C, R1164C, R1170C, R1171C.
Identifiers: ClinVar variation 4988556 (VCV004988556.1).

ClinVar aggregate classification (germline): Likely benign (1 of 4 stars; one submission).

Conditions:
MAST3-related disorder.

gnomAD v4.1: 21 of 1,550,640 alleles (0.0014%); highest among the groups gnomAD compares: Admixed American, 0.0096%; no homozygotes.

Submission:

PreventionGenetics, part of Exact Sciences
Classification: Likely benign for MAST3-related condition. Last evaluated: 2024-12-12. Review status: criteria provided, single submitter. Criteria: ACMG Guidelines, 2015. Collection method: clinical testing. Allele origin: germline.
Comment: This variant is classified as likely benign based on ACMG/AMP sequence variant interpretation guidelines (Richards et al. 2015 PMID: 25741868, with internal and published modifications).